The following is an entry in ClinVar:

NM_000038.6(APC):c.531+171G>T

Gene: APC (APC regulator of WNT signaling pathway; plus strand). Cytogenetic location: 5q22.2.
Variant type: single nucleotide variant.
Coding change: c.531+171G>T on transcript NM_000038.6 (MANE Select); 171 bases into the intron after coding-DNA position 531, G replaced by T.
Molecular consequence: intron variant.
Genome position (GRCh38, 1-based): chr5:112,775,908, G>T. VCF-style: chr5-112775908-G-T. GRCh37 (hg19) VCF-style: chr5-112111605-G-T.
Other names: c.531+171G>T (NM_001354895.2, NM_001127510.3, NM_001354896.2 and 2 more transcripts); c.561+171G>T (NM_001354897.2, NM_001354902.2, NM_001127511.3); c.456+171G>T (NM_001354898.2, NM_001354904.2); c.-505+171G>T (NM_001354906.2); c.354+171G>T (NM_001354900.2, NM_001354901.2, NM_001354905.2).
Identifiers: ClinVar variation 82914 (VCV000082914.2), dbSNP rs75279497, ClinGen allele CA010127.

ClinVar aggregate classification (germline): other (0 of 4 stars; one submission).

Conditions:
Familial colorectal cancer. Identifiers: MedGen CN280943, MONDO:0023113. Disease mechanism: loss of function.

Submission:

Systems Biology Platform Zhejiang California International NanoSystems Institute
Classification: other for Familial colorectal cancer. Review status: no assertion criteria provided. Collection method: not provided. Allele origin: unknown.
ClinVar note: Converted during submission from cancer to other.